The following is an entry in ClinVar:

ClinVar aggregate classification (germline): Conflicting classifications of pathogenicity. Review status: criteria provided, conflicting classifications (1 of 4 stars). 3 submissions from 3 submitters: Likely pathogenic (1); Uncertain significance (1). 1 of the submissions does not count toward it. Last evaluated 2024-04-25.

Conditions:
Developmental and epileptic encephalopathy, 87. Also called: EPILEPTIC ENCEPHALOPATHY, EARLY INFANTILE, 87. Identifiers: MedGen C5394501, MONDO:0030059, OMIM 618916.

Submissions (3):

Clinical Genetics Laboratory, Skane University Hospital Lund
Classification: Likely pathogenic for Developmental and epileptic encephalopathy, 87. Last evaluated: 2024-04-25. Review status: criteria provided, single submitter. Criteria: ACMG Guidelines, 2015. Collection method: clinical testing. Allele origin: germline. Affected: yes.
Comment: Absent from matched controls (gnomAD v 4.1, PM2). Another amino acid exchange at the same position, CDK19 p.Tyr32His, published as pathogenic (PMID: 32330417, PM5).

Neuberg Centre For Genomic Medicine, NCGM
Classification: Uncertain significance for Developmental and epileptic encephalopathy, 87. Review status: criteria provided, single submitter. Criteria: ACMG Guidelines, 2015. Collection method: clinical testing. Allele origin: germline. Inheritance: Autosomal dominant inheritance. Affected: yes.
Comment: The c.95A>G(p.Tyr32Cys) missense variant in CDK19 gene has been submitted to ClinVar as Likely Pathogenic, but no details are available for independent assessment. It has not been reported in affected individuals. The p.Tyr32Cys variant is novel (not in any individuals) in gnomAD Exomes and 1000 Genomes. The amino acid Tyr at position 32 is changed to a Cys changing protein sequence and it might alter its composition and physico-chemical properties. For these reasons, this variant has been classified as Variant of Uncertain Significance (VUS).

Zarate Arkansas Children's Genetics Clinic, Arkansas Children's Hospital
Classification: Likely pathogenic for Developmental and epileptic encephalopathy, 87. Last evaluated: 2020-08-11. Review status: no assertion criteria provided. Collection method: clinical testing. Allele origin: de novo. Affected: yes. Observed: 1 variant allele. Not counted in ClinVar's aggregate classification.
Comment: De novo variant, in conserved residue, absent in population databases, located in functional domain with other variants, anoter substitution at residue interpreted as pathogenic

NM_015076.5(CDK19):c.95A>G (p.Tyr32Cys)

Genes: AMD1 (adenosylmethionine decarboxylase 1; plus strand), CDK19 (cyclin dependent kinase 19; minus strand). Cytogenetic location: 6q21.
Variant type: single nucleotide variant.
Coding change: c.95A>G on transcript NM_015076.5 (MANE Select); coding-DNA position 95, A replaced by G.
Protein change: p.Tyr32Cys; replaces tyrosine 32 with cysteine.
Molecular consequence: missense variant. On other transcripts: intron variant (3).
Genome position (GRCh38, 1-based): chr6:110,815,042, T>C on the plus strand (A>G on the coding strand, the complement: CDK19 is on the minus strand). VCF-style: chr6-110815042-T-C. GRCh37 (hg19) VCF-style: chr6-111136245-T-C.
Other names: c.95A>G, p.Tyr32Cys (NM_001300960.2); c.-53+766A>G (NM_001300964.2); c.-115+529A>G (NM_001300963.2); c.-98+227T>C (NM_001287215.2); short protein forms Y32C.
Identifiers: ClinVar variation 975816 (VCV000975816.5), dbSNP rs1783517622, ClinGen allele CA365245577.